The following is an entry in ClinVar:

NM_000489.6(ATRX):c.809C>G (p.Pro270Arg)

Gene: ATRX (ATRX chromatin remodeler; minus strand). Cytogenetic location: Xq21.1.
Variant type: single nucleotide variant.
Coding change: c.809C>G on transcript NM_000489.6 (MANE Select); coding-DNA position 809, C replaced by G.
Protein change: p.Pro270Arg; replaces proline 270 with arginine.
Molecular consequence: missense variant.
Genome position (GRCh38, 1-based): chrX:77,684,447, G>C on the plus strand (C>G on the coding strand, the complement: ATRX is on the minus strand). VCF-style: chrX-77684447-G-C. GRCh37 (hg19) VCF-style: chrX-76939939-G-C.
Other names: c.695C>G, p.Pro232Arg (NM_138270.5); short protein forms P232R, P270R.
Identifiers: ClinVar variation 4532781 (VCV004532781.1).

ClinVar aggregate classification (germline): Likely pathogenic (1 of 4 stars; one submission).

Conditions:
Intellectual disability-hypotonic facies syndrome, X-linked, 1 (MRXHF1). Also called: XLMR-HYPOTONIC FACIES SYNDROME; CHUDLEY-LOWRY SYNDROME; Chudley syndrome 1; Chudley-Lowry-Hoar syndrome; Carpenter-Waziri syndrome; Smith Fineman Myers syndrome 1. Identifiers: Orphanet 73220, Orphanet 93970, Orphanet 93971, Orphanet 93972, Orphanet 93973, Orphanet 93974, Orphanet 93975, MedGen C4759781, MONDO:0010663, OMIM 309580.

Submission:

Molecular Genetics Laboratory, Motol Hospital
Classification: Likely pathogenic for Intellectual disability-hypotonic facies syndrome, X-linked, 1. Last evaluated: 2025-11-28. Review status: criteria provided, single submitter. Criteria: ACMG Guidelines, 2015. Collection method: clinical testing. Allele origin: germline. Affected: yes. Observed: 1 variant allele.
Comment: Not present in gnomAD (v4.1.0), dbSNP or ClinVar (PM2). Rare hemizygous variants affecting the ATRX gene are associated with X-linked recessive intellectual disability-hypotonic facies syndrome (MRXHF1; MIM:309580; PMID:34524523;PMID:16722615;PMID:18409179;PMID:24166814). The non-truncating variant is located in a mutational hotspot in the exon 9 of the ATRX gene (PM1). Different amino acid change c.809C>T is a known pathogenic variant (ClinVar Accession: VCV001332803.2) (PM5). To conclude, the variant c.809C>G is classified as likely pathogenic (PM2, PM1, PM5, PP2, PP3).

Literature cited by the submitters: PubMed 34524523; PubMed 16722615; PubMed 18409179; PubMed 24166814.